The following is an entry in ClinVar:

NM_007294.4(BRCA1):c.3388del (p.Ser1130fs)

Genes: BRCA1 (BRCA1 DNA repair associated; minus strand), LOC126862571 (BRD4-independent group 4 enhancer GRCh37_chr17:41243136-41244335; plus strand). Cytogenetic location: 17q21.31.
Variant type: Deletion.
Coding change: c.3388del on transcript NM_007294.4 (MANE Select); coding-DNA position 3388, one base deleted (T; older notation c.3388delT).
Protein change: p.Ser1130fs; shifts the reading frame from serine 1130.
Molecular consequence: frameshift variant. On other transcripts: intron variant (137).
Genome position (GRCh38, 1-based): chr17:43,092,143, A deleted on the plus strand (T on the coding strand, the reverse complement: BRCA1 is on the minus strand); the first of 3 consecutive A bases (chr17:43,092,143-43,092,145); deleting any one gives the same sequence. VCF-style (leftmost placement, unchanged base first): chr17-43092142-GA-G. GRCh37 (hg19) VCF-style: chr17-41244159-GA-G.
Other names: 3507delT-ter1133; c.3388delT (NM_007294.3); c.788-1111del (NM_001407979.1, NM_001407977.1, NM_001407982.1 and 17 more transcripts); c.647-1111del (NM_001408410.1, NM_001408458.1, NM_001408469.1 and 11 more transcripts); c.710-1111del (NM_001408415.1, NM_001408412.1, NM_001408409.1 and 2 more transcripts); c.578-1111del (NM_001408483.1, NM_001408481.1, NM_001408480.1 and 9 more transcripts); c.665-1111del (NM_001408442.1, NM_001408426.1, NM_001408436.1 and 12 more transcripts); c.3175del, p.Ser1059fs (NM_001407571.1, NM_001407853.1, NM_001407894.1 and 9 more transcripts); and 43 more; short protein forms S1083fs, S1130fs, S1042fs, S1059fs, S1104fs, S1003fs, S1018fs, S1041fs.
Identifiers: ClinVar variation 266364 (VCV000266364.24), dbSNP rs886040123, ClinGen allele CA10589759.

ClinVar aggregate classification (germline): Pathogenic. Review status: reviewed by expert panel (3 of 4 stars). 5 submissions from 5 submitters: Pathogenic (1). 4 of the submissions do not count toward it. Last evaluated 2016-10-18.

Conditions:
Hereditary cancer-predisposing syndrome. Also called: Hereditary Cancer Syndrome; Neoplastic Syndromes, Hereditary; Hereditary neoplastic syndrome; Tumor predisposition. Identifiers: Orphanet 140162, MedGen C0027672, MeSH D009386, MONDO:0015356.
Breast-ovarian cancer, familial, susceptibility to, 1 (BROVCA1). Also called: BRCA1 Hereditary Breast and Ovarian Cancer; OVARIAN CANCER, SUSCEPTIBILITY TO. Identifiers: Orphanet 145, MedGen C2676676, MONDO:0011450, OMIM 604370. Disease mechanism: loss of function.
Gastric cancer. Also called: Stomach cancer; Malignant tumor of stomach. Identifiers: MedGen C0024623, MeSH D013274, MONDO:0001056, OMIM 613659, HP:0012126.

Submissions (5):

Evidence-based Network for the Interpretation of Germline Mutant Alleles (ENIGMA)
Classification: Pathogenic for Breast-ovarian cancer, familial, susceptibility to, 1. Last evaluated: 2016-10-18. Review status: reviewed by expert panel. Criteria: ENIGMA BRCA1/2 Classification Criteria (2015). Collection method: curation. Allele origin: germline.
Comment: Variant allele predicted to encode a truncated non-functional protein.

Ambry Genetics
Classification: Pathogenic for Hereditary cancer-predisposing syndrome. Last evaluated: 2023-06-20. Review status: criteria provided, single submitter. Criteria: Ambry Variant Classification Scheme 2023. Collection method: clinical testing. Allele origin: germline. Not counted in ClinVar's aggregate classification.
Comment: The c.3388delT pathogenic mutation, located in coding exon 9 of the BRCA1 gene, results from a deletion of one nucleotide at nucleotide position 3388, causing a translational frameshift with a predicted alternate stop codon (p.S1130Qfs*4). This alteration has been identified in multiple breast and/or ovarian cancer families (Rebbeck TR et al. Hum Mutat, 2018 May;39:593-620; Momozawa Y et al. JAMA Oncol, 2022 Jun;8:871-878). This variant is considered to be rare based on population cohorts in the Genome Aggregation Database (gnomAD). In addition to the clinical data presented in the literature, this alteration is expected to result in loss of function by premature protein truncation or nonsense-mediated mRNA decay. As such, this alteration is interpreted as a disease-causing mutation.

Consortium of Investigators of Modifiers of BRCA1/2 (CIMBA), c/o University of Cambridge
Classification: Pathogenic for Breast-ovarian cancer, familial, susceptibility to, 1. Last evaluated: 2015-10-02. Review status: criteria provided, single submitter. Criteria: CIMBA Mutation Classification guidelines May 2016. Collection method: clinical testing. Allele origin: germline. Not counted in ClinVar's aggregate classification.

GeneDx
Classification: Pathogenic. Last evaluated: 2014-12-22. Review status: criteria provided, single submitter. Criteria: GeneDx Variant Classification (06012015). Collection method: clinical testing. Allele origin: germline. Affected: yes. Not counted in ClinVar's aggregate classification.
Comment: This deletion of one nucleotide in BRCA1 is denoted c.3388delT at the cDNA level and p.Ser1130GlnfsX4 (S1130QfsX4) at the protein level. The normal sequence, with the bases that are deleted in brackets, is GATT[T]CAGA. The deletion causes a frameshift, which changes a Serine to a Glutamine at codon 1130, and creates a premature stop codon at position 4 of the new reading frame. Using alternate nomenclature, this variant would be defined as BRCA1 3507delT. Although this variant has not, to our knowledge, been reported in the literature, it is predicted to cause loss of normal protein function through either protein truncation or nonsense-mediated mRNA decay. Based on the currently available information, we consider this deletion to be a likely pathogenic variant.

Laboratory for Genotyping Development, RIKEN
Classification: Pathogenic for Gastric cancer. Last evaluated: 2021-07-01. Review status: no assertion criteria provided. Collection method: research. Allele origin: germline. Not counted in ClinVar's aggregate classification.

Literature cited by the submitters: PubMed 29446198 (cited by Ambry Genetics); PubMed 35420638 (cited by Ambry Genetics); PubMed 36988593 (cited by Laboratory for Genotyping Development, RIKEN).